The following is an entry in ClinVar:

NM_001360016.2(G6PD):c.1067T>A (p.Leu356Gln)

Gene: G6PD (glucose-6-phosphate dehydrogenase; minus strand). Cytogenetic location: Xq28.
Variant type: single nucleotide variant.
Coding change: c.1067T>A on transcript NM_001360016.2 (MANE Select); coding-DNA position 1067, T replaced by A.
Protein change: p.Leu356Gln; replaces leucine 356 with glutamine.
Molecular consequence: missense variant.
Genome position (GRCh38, 1-based): chrX:154,532,787, A>T on the plus strand (T>A on the coding strand, the complement: G6PD is on the minus strand). VCF-style: chrX-154532787-A-T. GRCh37 (hg19) VCF-style: chrX-153761002-A-T.
Other names: c.1157T>A, p.Leu386Gln (NM_000402.4); c.1067T>A, p.Leu356Gln (NM_001042351.3); short protein forms L356Q, L386Q.
Identifiers: ClinVar variation 1722609 (VCV001722609.2), dbSNP rs2523263128, ClinGen allele CA415234297.

ClinVar aggregate classification (germline): Likely pathogenic (1 of 4 stars; one submission).

Conditions:
Anemia, nonspherocytic hemolytic, due to G6PD deficiency (CNSHA1). Also called: Hemolytic anemia due to G6PD deficiency; Class I glucose-6-phosphate dehydrogenase deficiency; Favism, susceptibility to; ANEMIA, CONGENITAL, NONSPHEROCYTIC HEMOLYTIC, 1. Identifiers: Orphanet 466026, MedGen C2720289, MONDO:0010480, OMIM 300908.

Submission:

Dunham Lab, University of Washington
Classification: Likely pathogenic for Anemia, nonspherocytic hemolytic, due to G6PD deficiency. Last evaluated: 2022-08-12. Review status: criteria provided, single submitter. Criteria: Bayesian ACMG Guidelines, 2018. Collection method: curation. Allele origin: inherited. Affected: yes.
Comment: Variant found in hemizygous brothers with G6PD deficiency, jaundice, and anemia (PP1, PP4). Decreased activity in red blood cells (PS3). Indicated as pathogenic by multiple predictive tools (MutationTaster, Polyphen-2, SIFT, SNPs&GO, PhD-SNP) (PP3). Not found in gnomAD (PM2). Post_P 0.988 (odds of pathogenicity 728.7, Prior_P 0.1).

Literature cited by the submitters: PubMed 27914961.